The following is an entry in ClinVar:

NM_004525.3(LRP2):c.2636G>C (p.Trp879Ser)

Gene: LRP2 (LDL receptor related protein 2; minus strand). Cytogenetic location: 2q31.1.
Variant type: single nucleotide variant.
Coding change: c.2636G>C on transcript NM_004525.3 (MANE Select); coding-DNA position 2636, G replaced by C.
Protein change: p.Trp879Ser; replaces tryptophan 879 with serine.
Molecular consequence: missense variant.
Genome position (GRCh38, 1-based): chr2:169,257,127, C>G on the plus strand (G>C on the coding strand, the complement: LRP2 is on the minus strand). VCF-style: chr2-169257127-C-G. GRCh37 (hg19) VCF-style: chr2-170113637-C-G.
Other names: short protein forms W879S.
Identifiers: ClinVar variation 745857 (VCV000745857.16), dbSNP rs199581227, ClinGen allele CA1955250.

ClinVar aggregate classification (germline): Benign. Review status: criteria provided, multiple submitters, no conflicts (2 of 4 stars). 3 submissions from 3 submitters: Benign (3). Last evaluated 2026-01-31.

Conditions:
Donnai-Barrow syndrome. Also called: DBS/FOAR SYNDROME; FACIOOCULOACOUSTICORENAL SYNDROME. Identifiers: Orphanet 2143, MedGen C1857277, MONDO:0009104, OMIM 222448.

Allele frequency attached by ClinVar (database versions not stated): gnomAD 0.00001 and 0.00046; TOPMed 0.00009; gnomAD exomes 0.00181; ExAC 0.00216; 1000 Genomes Project 30x 0.00265; 1000 Genomes Project 0.00280.
gnomAD v4.1: 1,281 of 1,612,576 alleles (0.079%); highest among the groups gnomAD compares: South Asian, 1.3%; 16 homozygotes.

Submissions (3):

Labcorp Genetics (formerly Invitae), Labcorp
Classification: Benign. Last evaluated: 2026-01-31. Review status: criteria provided, single submitter. Criteria: Invitae Variant Classification Sherloc (09022015). Collection method: clinical testing. Allele origin: germline.

Genome-Nilou Lab
Classification: Benign for Donnai-Barrow syndrome. Last evaluated: 2021-07-15. Review status: criteria provided, single submitter. Criteria: ACMG Guidelines, 2015. Collection method: clinical testing. Allele origin: germline. Affected: no.

Illumina Laboratory Services, Illumina
Classification: Benign for Donnai-Barrow syndrome. Last evaluated: 2017-04-27. Review status: criteria provided, single submitter. Criteria: ICSL Variant Classification Criteria 13 December 2019. Collection method: clinical testing. Allele origin: germline.
Comment: This variant was observed as part of a predisposition screen in an ostensibly healthy population. A literature search was performed for the gene, cDNA change, and amino acid change (where applicable). Publications were found based on this search. The evidence from the literature, in combination with allele frequency data from public databases where available, was sufficient to rule this variant out of causing disease. Therefore, this variant is classified as benign.

Literature cited by the submitters: PubMed 24319098 (cited by Illumina Laboratory Services, Illumina).